The following is an entry in ClinVar:

ClinVar aggregate classification (germline): Uncertain significance (1 of 4 stars; one submission).

Submission:

GeneDx
Classification: Uncertain significance. Last evaluated: 2024-06-04. Review status: criteria provided, single submitter. Criteria: GeneDx Variant Classification Process June 2021. Collection method: clinical testing. Allele origin: germline. Affected: yes.
Comment: Not observed at significant frequency in large population cohorts (gnomAD); In silico analysis supports that this missense variant has a deleterious effect on protein structure/function; Has not been previously published as pathogenic or benign to our knowledge

NM_006015.6(ARID1A):c.6103G>A (p.Glu2035Lys)

Gene: ARID1A (AT-rich interaction domain 1A; plus strand). Cytogenetic location: 1p36.11.
Variant type: single nucleotide variant.
Coding change: c.6103G>A on transcript NM_006015.6 (MANE Select); coding-DNA position 6103, G replaced by A.
Protein change: p.Glu2035Lys; replaces glutamic acid 2035 with lysine.
Molecular consequence: missense variant.
Genome position (GRCh38, 1-based): chr1:26,780,001, G>A. VCF-style: chr1-26780001-G-A. GRCh37 (hg19) VCF-style: chr1-27106492-G-A.
Other names: c.5452G>A, p.Glu1818Lys (NM_139135.4); short protein forms E1818K, E2035K.
Identifiers: ClinVar variation 3384576 (VCV003384576.1).
Genomic context (GRCh38, chr1:26,780,001, plus strand): 5'-ATCCTGCTGCACCACAAGCACCCAGAACGGAAGCAGGCACCACTAACTTATGAAAAGGAG[G>A]AGGAACAGGACCAAGGGGTGAGCTGCAACAAAGTGGAGTGGTGGTGGGACTGCTTGGAGA-3'
Protein context (NP_006006.3, residues 2025-2045): KQAPLTYEKE[Glu2035Lys]EQDQGVSCNK